The following is an entry in ClinVar:

NM_001106.4(ACVR2B):c.811-13T>C

Gene: ACVR2B (activin A receptor type 2B; plus strand). Cytogenetic location: 3p22.2.
Variant type: single nucleotide variant.
Coding change: c.811-13T>C on transcript NM_001106.4 (MANE Select); 13 bases into the intron before coding-DNA position 811, T replaced by C.
Molecular consequence: intron variant.
Genome position (GRCh38, 1-based): chr3:38,479,665, T>C. VCF-style: chr3-38479665-T-C. GRCh37 (hg19) VCF-style: chr3-38521156-T-C.
Identifiers: ClinVar variation 257470 (VCV000257470.27), dbSNP rs13097628, ClinGen allele CA2318920.

ClinVar aggregate classification (germline): Benign. Review status: criteria provided, multiple submitters, no conflicts (2 of 4 stars). 12 submissions from 12 submitters: Benign (9). 3 of the submissions do not count toward it. Last evaluated 2026-02-03.

Conditions:
Heterotaxy, visceral, 4, autosomal (HTX4). Identifiers: Orphanet 450, MedGen C3151057, MONDO:0013403, OMIM 613751.

Allele frequency attached by ClinVar (database versions not stated): 1000 Genomes Project 30x 0.34994; 1000 Genomes Project 0.35643; TOPMed 0.40388; gnomAD 0.42596 and 0.42924; ESP Exome Variant Server 0.44149; gnomAD exomes 0.47788 and 0.53800; ExAC 0.48531.
gnomAD v4.1: 849,246 of 1,612,976 alleles (53%); highest among the groups gnomAD compares: Non-Finnish European, 57%; 232,383 homozygotes.

Submissions (12):

Labcorp Genetics (formerly Invitae), Labcorp
Classification: Benign for Heterotaxy, visceral, 4, autosomal. Last evaluated: 2026-02-03. Review status: criteria provided, single submitter. Criteria: Invitae Variant Classification Sherloc (09022015). Collection method: clinical testing. Allele origin: germline.

Blueprint Genetics
Classification: Benign. Last evaluated: 2024-11-26. Review status: criteria provided, single submitter. Criteria: ACMG Guidelines, 2015. Collection method: clinical testing. Allele origin: germline.

Genome-Nilou Lab
Classification: Benign for Heterotaxy, visceral, 4, autosomal. Last evaluated: 2021-07-14. Review status: criteria provided, single submitter. Criteria: ACMG Guidelines, 2015. Collection method: clinical testing. Allele origin: germline. Affected: no.

Illumina Laboratory Services, Illumina
Classification: Benign for Heterotaxy, visceral, 4, autosomal. Last evaluated: 2018-01-13. Review status: criteria provided, single submitter. Criteria: ICSL Variant Classification Criteria 13 December 2019. Collection method: clinical testing. Allele origin: germline.
Comment: This variant was observed in the ICSL laboratory as part of a predisposition screen in an ostensibly healthy population. It had not been previously curated by ICSL or reported in the Human Gene Mutation Database (HGMD: prior to June 1st, 2018), and was therefore a candidate for classification through an automated scoring system. Utilizing variant allele frequency, disease prevalence and penetrance estimates, and inheritance mode, an automated score was calculated to assess if this variant is too frequent to cause the disease. Based on the score and internal cut-off values, a variant classified as benign is not then subjected to further curation. The score for this variant resulted in a classification of benign for this disease.

Laboratory for Molecular Medicine, Mass General Brigham Personalized Medicine
Classification: Benign. Last evaluated: 2016-03-28. Review status: criteria provided, single submitter. Criteria: LMM Criteria. Collection method: clinical testing. Allele origin: germline.
Comment: Variant identified in a genome or exome case(s) and assessed due to predicted null impact of the variant or pathogenic assertions in the literature or databases. Disclaimer: This variant has not undergone full assessment. The following are preliminary notes: Frequency

Clinical Genetics DNA and cytogenetics Diagnostics Lab, Erasmus MC, Erasmus Medical Center
Classification: Benign for Heterotaxy, visceral, 4, autosomal. Last evaluated: 2015-09-21. Review status: criteria provided, single submitter. Criteria: ACGS Guidelines, 2013. Collection method: clinical testing. Allele origin: germline. Affected: yes. Study: VKGL Data-share Consensus.

GeneDx
Classification: Benign. Last evaluated: 2015-03-03. Review status: criteria provided, single submitter. Criteria: GeneDx Variant Classification Process June 2021. Collection method: clinical testing. Allele origin: germline. Affected: yes.

Breakthrough Genomics
Classification: Benign. Review status: criteria provided, single submitter. Criteria: ACMG Guidelines, 2015. Collection method: not provided. Allele origin: germline. Inheritance: Unknown mechanism. Affected: yes.

PreventionGenetics, part of Exact Sciences
Classification: Benign. Review status: criteria provided, single submitter. Criteria: ACMG Guidelines, 2015. Collection method: clinical testing. Allele origin: germline.

Clinical Genetics, Academic Medical Center
Classification: Benign. Review status: no assertion criteria provided. Collection method: clinical testing. Allele origin: germline. Affected: yes. Study: VKGL Data-share Consensus. Not counted in ClinVar's aggregate classification.

Diagnostic Laboratory, Department of Genetics, University Medical Center Groningen
Classification: Benign for Heterotaxy, visceral, 4, autosomal. Review status: no assertion criteria provided. Collection method: clinical testing. Allele origin: germline. Affected: yes. Study: VKGL Data-share Consensus. Not counted in ClinVar's aggregate classification.

Joint Genome Diagnostic Labs from Nijmegen and Maastricht, Radboudumc and MUMC+
Classification: Benign. Review status: no assertion criteria provided. Collection method: clinical testing. Allele origin: germline. Affected: yes. Study: VKGL Data-share Consensus. Not counted in ClinVar's aggregate classification.